The following is an entry in ClinVar:

ClinVar aggregate classification (germline): Conflicting classifications of pathogenicity. Review status: criteria provided, conflicting classifications (1 of 4 stars). 2 submissions from 2 submitters: Uncertain significance (1); Likely benign (1). Last evaluated 2025-05-07.

Conditions:
Cardiovascular phenotype. Identifiers: MedGen CN230736.
Hypertrophic cardiomyopathy. Also called: HYPERTROPHIC MYOCARDIOPATHY. Identifiers: Orphanet 217569, MedGen C0007194, MeSH D002312, MONDO:0005045, HP:0001639.

gnomAD v4.1: 4 of 1,613,986 alleles (0.00025%); highest among the groups gnomAD compares: Non-Finnish European, 0.00034%; no homozygotes.

Submissions (2):

Ambry Genetics
Classification: Uncertain significance for Cardiovascular phenotype. Last evaluated: 2025-05-07. Review status: criteria provided, single submitter. Criteria: Ambry Variant Classification Scheme 2023. Collection method: clinical testing. Allele origin: germline.
Comment: The c.276G>A variant (also known as p.V92V), located in coding exon 3 of the MYOZ2 gene, results from a G to A substitution at nucleotide position 276. This nucleotide substitution does not change the amino acid at codon 92. This nucleotide position is not well conserved in available vertebrate species. In silico splice site analysis for this alteration is inconclusive. The evidence for this gene-disease relationship is limited; therefore, the clinical significance of this alteration is unclear.

Labcorp Genetics (formerly Invitae), Labcorp
Classification: Likely benign for Hypertrophic cardiomyopathy. Last evaluated: 2024-07-17. Review status: criteria provided, single submitter. Criteria: Invitae Variant Classification Sherloc (09022015). Collection method: clinical testing. Allele origin: germline.

NM_016599.5(MYOZ2):c.276G>A (p.Val92=)

Gene: MYOZ2 (myozenin 2; plus strand). Cytogenetic location: 4q26.
Variant type: single nucleotide variant.
Coding change: c.276G>A on transcript NM_016599.5 (MANE Select); coding-DNA position 276, G replaced by A.
Protein change: p.Val92=; no amino-acid change (valine 92 retained).
Molecular consequence: synonymous variant.
Genome position (GRCh38, 1-based): chr4:119,158,051, G>A. VCF-style: chr4-119158051-G-A. GRCh37 (hg19) VCF-style: chr4-120079206-G-A.
Identifiers: ClinVar variation 3624028 (VCV003624028.3).